The following is an entry in ClinVar:

ClinVar aggregate classification (germline): Uncertain significance (1 of 4 stars; one submission).

Conditions:
Dilated cardiomyopathy 1W (CMD1W). Identifiers: Orphanet 154, MedGen C1969639, MONDO:0012667, OMIM 611407.

Allele frequency attached by ClinVar (database versions not stated): gnomAD exomes below 0.00001.
gnomAD v4.1: 3 of 1,614,114 alleles (0.00019%); highest among the groups gnomAD compares: Non-Finnish European, 0.00025%; no homozygotes.

Submission:

Labcorp Genetics (formerly Invitae), Labcorp
Classification: Uncertain significance for Dilated cardiomyopathy 1W. Last evaluated: 2024-07-29. Review status: criteria provided, single submitter. Criteria: Invitae Variant Classification Sherloc (09022015). Collection method: clinical testing. Allele origin: germline.
Comment: This sequence change replaces glutamic acid, which is acidic and polar, with glycine, which is neutral and non-polar, at codon 880 of the VCL protein (p.Glu880Gly). This variant is not present in population databases (gnomAD no frequency). This variant has not been reported in the literature in individuals affected with VCL-related conditions. An algorithm developed to predict the effect of missense changes on protein structure and function (PolyPhen-2) suggests that this variant is likely to be disruptive. In summary, the available evidence is currently insufficient to determine the role of this variant in disease. Therefore, it has been classified as a Variant of Uncertain Significance.

NM_014000.3(VCL):c.2639A>G (p.Glu880Gly)

Gene: VCL (vinculin; plus strand). Cytogenetic location: 10q22.2.
Variant type: single nucleotide variant.
Coding change: c.2639A>G on transcript NM_014000.3 (MANE Select); coding-DNA position 2639, A replaced by G.
Protein change: p.Glu880Gly; replaces glutamic acid 880 with glycine.
Molecular consequence: missense variant.
Genome position (GRCh38, 1-based): chr10:74,109,050, A>G. VCF-style: chr10-74109050-A-G. GRCh37 (hg19) VCF-style: chr10-75868808-A-G.
Other names: c.2639A>G, p.Glu880Gly (NM_003373.4); short protein forms E880G.
Identifiers: ClinVar variation 2736112 (VCV002736112.3), dbSNP rs2549234310, ClinGen allele CA377264254.
Genomic context (GRCh38, chr10:74,109,050, plus strand): 5'-CTCCCAAACCACCTCTGCCTGAAGGTGAGGTCCCTCCACCTAGGCCTCCACCACCAGAGG[A>G]AAAGGATGAAGAGTTCCCTGAGCAGAAGGCCGGGGAGGTGATTAACCAGCCAATGATGAT-3'
Protein context (NP_054706.1, residues 870-890): VPPPRPPPPE[Glu880Gly]KDEEFPEQKA